The following is an entry in ClinVar:

ClinVar aggregate classification (germline): Uncertain significance (1 of 4 stars; one submission).

Conditions:
Neurodevelopmental disorder with dysmorphic facies and distal limb anomalies. Identifiers: Orphanet 686482, MedGen C4540327, MONDO:0060596, OMIM 617755.

Submission:

Dasa
Classification: Uncertain significance for Neurodevelopmental disorder with dysmorphic facies and distal limb anomalies. Last evaluated: 2025-08-20. Review status: criteria provided, single submitter. Criteria: DASA Assertion Criteria. Collection method: clinical testing. Allele origin: germline.
Comment: NM_182641.4(BPTF):c.2436G>C (p.Gln812His) is a missense variant that results in the substitution of glutamine with histidine. This variant is absent from population databases. The currently available literature and clinical evidence are not sufficient to establish a definitive association between this variant and the reported condition. Therefore, this variant is classified as a variant of uncertain significance.

NM_182641.4(BPTF):c.2436G>C (p.Gln812His)

Gene: BPTF (bromodomain PHD finger transcription factor; plus strand). Cytogenetic location: 17q24.2.
Variant type: single nucleotide variant.
Coding change: c.2436G>C on transcript NM_182641.4 (MANE Select); coding-DNA position 2436, G replaced by C.
Protein change: p.Gln812His; replaces glutamine 812 with histidine.
Molecular consequence: missense variant.
Genome position (GRCh38, 1-based): chr17:67,894,058, G>C. VCF-style: chr17-67894058-G-C. GRCh37 (hg19) VCF-style: chr17-65890174-G-C.
Other names: c.2625G>C, p.Gln875His (NM_001439139.1, NM_001439141.1, NM_001439143.1 and 1 more transcripts); c.2814G>C, p.Gln938His (NM_001439140.1, NM_001439142.1, NM_004459.7); short protein forms Q812H, Q875H, Q938H.
Identifiers: ClinVar variation 4883387 (VCV004883387.2).